The following is an entry in ClinVar:

ClinVar aggregate classification (germline): Pathogenic. Review status: criteria provided, multiple submitters, no conflicts (2 of 4 stars). 2 submissions from 2 submitters: Pathogenic (2). Last evaluated 2024-11-13.

Conditions:
Glycine encephalopathy. Also called: Nonketotic hyperglycinemia; Non-ketotic hyperglycinemia. Identifiers: Orphanet 407, MedGen C0751748, MONDO:0011612, HP:0008288.

Submissions (2):

Labcorp Genetics (formerly Invitae), Labcorp
Classification: Pathogenic for Glycine encephalopathy. Last evaluated: 2024-11-13. Review status: criteria provided, single submitter. Criteria: Invitae Variant Classification Sherloc (09022015). Collection method: clinical testing. Allele origin: germline.
Comment: This sequence change affects a donor splice site in intron 22 of the GLDC gene. It is expected to disrupt RNA splicing. Variants that disrupt the donor or acceptor splice site typically lead to a loss of protein function (PMID: 16199547), and loss-of-function variants in GLDC are known to be pathogenic (PMID: 16601880). This variant is not present in population databases (gnomAD no frequency). Disruption of this splice site has been observed in individual(s) with non-ketotic hyperglycinemia (PMID: 16450403, 27362913). In at least one individual the data is consistent with being in trans (on the opposite chromosome) from a pathogenic variant. ClinVar contains an entry for this variant (Variation ID: 1981191). Algorithms developed to predict the effect of sequence changes on RNA splicing suggest that this variant may disrupt the consensus splice site. For these reasons, this variant has been classified as Pathogenic.

Natera, Inc.
Classification: Pathogenic for Non-ketotic hyperglycinemia. Last evaluated: 2024-06-13. Review status: criteria provided, single submitter. Criteria: Natera Variant Classification Schema (03/2026). Collection method: clinical testing. Allele origin: germline.
Comment: The c.2665+1G>T variant in GLDC is a canonical splice donor site variant predicted to affect pre-mRNA splicing, which may result in an abnormal transcript and altered protein product. This variant is expected to result in nonsense mediated decay, truncation, or a dysfunctional protein product. This variant is rare in the general population with a frequency below the threshold expected for the associated phenotype(s). This variant has been observed in one or more individuals affected with the associated recessive disease, as either homozygous or compound heterozygous with a second variant (PMID: 27362913). Given the available evidence, this variant is classified as Pathogenic.

Literature cited by the submitters: PubMed 16199547 (cited by Labcorp Genetics (formerly Invitae), Labcorp); PubMed 16601880 (cited by Labcorp Genetics (formerly Invitae), Labcorp); PubMed 16450403 (cited by Labcorp Genetics (formerly Invitae), Labcorp); PubMed 27362913 (cited by Labcorp Genetics (formerly Invitae), Labcorp and Natera, Inc.).

NM_000170.3(GLDC):c.2665+1G>T

Gene: GLDC (glycine decarboxylase; minus strand). Cytogenetic location: 9p24.1.
Variant type: single nucleotide variant.
Coding change: c.2665+1G>T on transcript NM_000170.3 (MANE Select); the canonical splice donor site of the intron after coding-DNA position 2665, G replaced by T.
Molecular consequence: splice donor variant.
Genome position (GRCh38, 1-based): chr9:6,540,050, C>A on the plus strand (G>T on the coding strand, the complement: GLDC is on the minus strand). VCF-style: chr9-6540050-C-A. GRCh37 (hg19) VCF-style: chr9-6540050-C-A.
Other names: c.2665+1G>T (NM_000170.2).
Identifiers: ClinVar variation 1981191 (VCV001981191.5), dbSNP rs149070244, ClinGen allele CA372883385.